The following is an entry in ClinVar:

NM_000062.3(SERPING1):c.732C>A (p.Tyr244Ter)

Gene: SERPING1 (serpin family G member 1; plus strand). Cytogenetic location: 11q12.1.
Variant type: single nucleotide variant.
Coding change: c.732C>A on transcript NM_000062.3 (MANE Select); coding-DNA position 732, C replaced by A.
Protein change: p.Tyr244Ter; replaces tyrosine 244 with a stop codon.
Molecular consequence: nonsense.
Genome position (GRCh38, 1-based): chr11:57,606,056, C>A. VCF-style: chr11-57606056-C-A. GRCh37 (hg19) VCF-style: chr11-57373529-C-A.
Other names: c.732C>A, p.Tyr244Ter (NM_001032295.2); short protein forms Y244*.
Identifiers: ClinVar variation 3242449 (VCV003242449.2), dbSNP rs1565171672.

ClinVar aggregate classification (germline): Pathogenic (1 of 4 stars; one submission).

Conditions:
Hereditary angioedema type 1 (HAE1). Identifiers: Orphanet 100050, Orphanet 100051, Orphanet 91378, MedGen C2717906, MONDO:0015053, OMIM 106100.

Submission:

DNA-diagnostics Laboratory, Research Centre For Medical Genetics
Classification: Pathogenic for Hereditary angioedema type 1. Last evaluated: 2024-06-01. Review status: criteria provided, single submitter. Criteria: ACMG Guidelines, 2015. Collection method: research. Allele origin: germline. Inheritance: Autosomal dominant inheritance. Affected: yes. Observed: 1 variant allele, 1 heterozygote.
Comment: The c.732C>A variant in SERPING1 meets ACMG/ClinGen SVI guidance criteria to be classified as pathogenic: PVS1, PP4_Str, PM2_Sup